The following is an entry in ClinVar:

ClinVar aggregate classification (germline): Pathogenic (0 of 4 stars; one submission).

Conditions:
Hepatic veno-occlusive disease-immunodeficiency syndrome. Also called: Hepatic Veno-Occlusive Disease with Immunodeficiency. Identifiers: Orphanet 79124, MedGen C1856128, MONDO:0009338, OMIM 235550. Disease mechanism: loss of function.

Submission:

GeneReviews
Classification: Pathogenic for Hepatic Veno-occlusive Disease with Immunodeficiency. Last evaluated: 2013-07-03. Review status: no assertion criteria provided. Collection method: curation. Allele origin: unknown.
ClinVar note: Converted during submission from pathologic to Pathogenic.

NM_080424.4(SP110):c.78_79delinsAT (p.Ile27Leu)

Genes: SP140 (SP140 nuclear body protein; plus strand), SP110 (SP110 nuclear body protein; minus strand). Cytogenetic location: 2q37.1.
Variant type: Indel.
Coding change: c.78_79delinsAT on transcript NM_080424.4 (MANE Select); coding-DNA positions 78 to 79, CA replaced by AT.
Protein change: p.Ile27Leu; replaces isoleucine 27 with leucine.
Molecular consequence: missense variant.
Genome position (GRCh38, 1-based): chr2:230,216,849-230,216,850, TG replaced by AT on the plus strand (CA replaced by AT on the coding strand, the reverse complement: SP110 is on the minus strand). VCF-style: chr2-230216849-TG-AT. GRCh37 (hg19) VCF-style: chr2-231081564-TG-AT.
Other names: c.96_97delinsAT, p.Ile33Leu (NM_001185015.2, NM_001378442.1, NM_001378444.1 and 2 more transcripts); c.78_79delinsAT, p.Ile27Leu (NM_001378443.1, NM_001378447.1, NM_004509.5 and 1 more transcripts); short protein forms I27L, I33L.
Identifiers: ClinVar variation 65748 (VCV000065748.3), dbSNP rs397515572, ClinGen allele CA345072.